The following is an entry in ClinVar:

ClinVar aggregate classification (germline): Uncertain significance (1 of 4 stars; one submission).

gnomAD v4.1: 71 of 1,614,014 alleles (0.0044%); highest among the groups gnomAD compares: Non-Finnish European, 0.0057%; no homozygotes.

Submission:

Labcorp Genetics (formerly Invitae), Labcorp
Classification: Uncertain significance. Last evaluated: 2024-09-17. Review status: criteria provided, single submitter. Criteria: Invitae Variant Classification Sherloc (09022015). Collection method: clinical testing. Allele origin: germline.
Comment: This sequence change replaces alanine, which is neutral and non-polar, with threonine, which is neutral and polar, at codon 252 of the DSCAML1 protein (p.Ala252Thr). This variant is present in population databases (rs142110596, gnomAD 0.003%). This variant has not been reported in the literature in individuals affected with DSCAML1-related conditions. An algorithm developed to predict the effect of missense changes on protein structure and function (PolyPhen-2) suggests that this variant is likely to be tolerated. In summary, the available evidence is currently insufficient to determine the role of this variant in disease. Therefore, it has been classified as a Variant of Uncertain Significance.

NM_020693.4(DSCAML1):c.574G>A (p.Ala192Thr)

Gene: DSCAML1 (DS cell adhesion molecule like 1; minus strand). Cytogenetic location: 11q23.3.
Variant type: single nucleotide variant.
Coding change: c.574G>A on transcript NM_020693.4 (MANE Select); coding-DNA position 574, G replaced by A.
Protein change: p.Ala192Thr; replaces alanine 192 with threonine.
Molecular consequence: missense variant.
Genome position (GRCh38, 1-based): chr11:117,532,460, C>T on the plus strand (G>A on the coding strand, the complement: DSCAML1 is on the minus strand). VCF-style: chr11-117532460-C-T. GRCh37 (hg19) VCF-style: chr11-117403175-C-T.
Other names: c.574G>A, p.Ala192Thr (NM_001367904.1); c.166G>A, p.Ala56Thr (NM_001367905.1); short protein forms A56T, A192T.
Identifiers: ClinVar variation 3713090 (VCV003713090.2).